The following is an entry in ClinVar:

ClinVar aggregate classification (germline): Uncertain significance (1 of 4 stars; one submission).

Conditions:
Charcot-Marie-Tooth disease type 2. Also called: Charcot-Marie-Tooth type 2. Identifiers: Orphanet 64746, MedGen C0270914, MONDO:0018993.

gnomAD v4.1: 9 of 1,612,752 alleles (0.00056%); highest among the groups gnomAD compares: African/African-American, 0.0013%; no homozygotes.

Submission:

Labcorp Genetics (formerly Invitae), Labcorp
Classification: Uncertain significance for Charcot-Marie-Tooth disease type 2. Last evaluated: 2021-04-11. Review status: criteria provided, single submitter. Criteria: Invitae Variant Classification Sherloc (09022015). Collection method: clinical testing. Allele origin: germline.
Comment: In summary, the available evidence is currently insufficient to determine the role of this variant in disease. Therefore, it has been classified as a Variant of Uncertain Significance. Algorithms developed to predict the effect of missense changes on protein structure and function (SIFT, PolyPhen-2, Align-GVGD) all suggest that this variant is likely to be tolerated, but these predictions have not been confirmed by published functional studies and their clinical significance is uncertain. This variant has not been reported in the literature in individuals with MED25-related conditions. This variant is not present in population databases (ExAC no frequency). This sequence change replaces proline with alanine at codon 630 of the MED25 protein (p.Pro630Ala). The proline residue is moderately conserved and there is a small physicochemical difference between proline and alanine.

NM_030973.4(MED25):c.1888C>G (p.Pro630Ala)

Gene: MED25 (mediator complex subunit 25; plus strand). Cytogenetic location: 19q13.33.
Variant type: single nucleotide variant.
Coding change: c.1888C>G on transcript NM_030973.4 (MANE Select); coding-DNA position 1888, C replaced by G.
Protein change: p.Pro630Ala; replaces proline 630 with alanine.
Molecular consequence: missense variant.
Genome position (GRCh38, 1-based): chr19:49,835,868, C>G. VCF-style: chr19-49835868-C-G. GRCh37 (hg19) VCF-style: chr19-50339125-C-G.
Other names: c.1888C>G, p.Pro630Ala (NM_001378355.1); short protein forms P630A.
Identifiers: ClinVar variation 1355613 (VCV001355613.8), dbSNP rs900142190, ClinGen allele CA309520726.